The following is an entry in ClinVar:

ClinVar aggregate classification (germline): Uncertain significance (1 of 4 stars; one submission).

Allele frequency attached by ClinVar (database versions not stated): gnomAD exomes below 0.00001; gnomAD 0.00001; ExAC 0.00002; TOPMed 0.00002.

Submission:

Labcorp Genetics (formerly Invitae), Labcorp
Classification: Uncertain significance. Last evaluated: 2021-08-24. Review status: criteria provided, single submitter. Criteria: Invitae Variant Classification Sherloc (09022015). Collection method: clinical testing. Allele origin: germline.
Comment: This sequence change replaces arginine with cysteine at codon 314 of the BMP1 protein (p.Arg314Cys). The arginine residue is highly conserved and there is a large physicochemical difference between arginine and cysteine. This variant is present in population databases (rs767453320, ExAC 0.003%). This variant has not been reported in the literature in individuals affected with BMP1-related conditions. Algorithms developed to predict the effect of missense changes on protein structure and function are either unavailable or do not agree on the potential impact of this missense change (SIFT: "Deleterious"; PolyPhen-2: "Benign"; Align-GVGD: "Class C65"). In summary, the available evidence is currently insufficient to determine the role of this variant in disease. Therefore, it has been classified as a Variant of Uncertain Significance.

NM_006129.5(BMP1):c.940C>T (p.Arg314Cys)

Gene: BMP1 (bone morphogenetic protein 1; plus strand). Cytogenetic location: 8p21.3.
Variant type: single nucleotide variant.
Coding change: c.940C>T on transcript NM_006129.5 (MANE Select); coding-DNA position 940, C replaced by T.
Protein change: p.Arg314Cys; replaces arginine 314 with cysteine.
Molecular consequence: missense variant. On other transcripts: non-coding transcript variant (2).
Genome position (GRCh38, 1-based): chr8:22,179,808, C>T. VCF-style: chr8-22179808-C-T. GRCh37 (hg19) VCF-style: chr8-22037321-C-T.
Other names: c.940C>T, p.Arg314Cys (NM_001199.4); short protein forms R314C.
Identifiers: ClinVar variation 1504741 (VCV001504741.5), dbSNP rs767453320, ClinGen allele CA4664471.
Genomic context (GRCh38, chr8:22,179,808, plus strand): 5'-GGGGTGAAACCTCCCATTGGCCAAAGGACACGGCTCAGCAAGGGGGACATTGCCCAAGCC[C>T]GCAAGCTTTACAAGTGCCCAGGTCAGGGCAGAGAAGGGATGGGTGAGGGCGTGGAGGGCA-3'
Protein context (NP_006120.1, residues 304-324): RLSKGDIAQA[Arg314Cys]KLYKCPACGE